The following is an entry in ClinVar:

NM_133259.4(LRPPRC):c.3040-1G>T

Gene: LRPPRC (leucine rich pentatricopeptide repeat containing; minus strand). Cytogenetic location: 2p21.
Variant type: single nucleotide variant.
Coding change: c.3040-1G>T on transcript NM_133259.4 (MANE Select); the canonical splice acceptor site of the intron before coding-DNA position 3040, G replaced by T.
Molecular consequence: splice acceptor variant.
Genome position (GRCh38, 1-based): chr2:43,918,134, C>A on the plus strand (G>T on the coding strand, the complement: LRPPRC is on the minus strand). VCF-style: chr2-43918134-C-A. GRCh37 (hg19) VCF-style: chr2-44145273-C-A.
Identifiers: ClinVar variation 2696827 (VCV002696827.3), dbSNP rs2466450957, ClinGen allele CA346668370.
Genomic context (GRCh38, chr2:43,918,134, plus strand): 5'-AGGTTCTGTGGTTGAGGCTGACGAAGAATTCAGGGAATGTTTTTCATCTTCATACCACAA[C>A]TTTAAAACAAAGTTATTCTGTTAAATAAAAACTGGTAATCTTTTCAATATAAAAGTAGGC-3'

ClinVar aggregate classification (germline): Likely pathogenic (1 of 4 stars; one submission).

Submission:

Labcorp Genetics (formerly Invitae), Labcorp
Classification: Likely pathogenic. Last evaluated: 2023-11-17. Review status: criteria provided, single submitter. Criteria: Invitae Variant Classification Sherloc (09022015). Collection method: clinical testing. Allele origin: germline.
Comment: This sequence change affects an acceptor splice site in intron 28 of the LRPPRC gene. It is expected to disrupt RNA splicing. Variants that disrupt the donor or acceptor splice site typically lead to a loss of protein function (PMID: 16199547), and loss-of-function variants in LRPPRC are known to be pathogenic (PMID: 26510951). This variant is not present in population databases (gnomAD no frequency). This variant has not been reported in the literature in individuals affected with LRPPRC-related conditions. Algorithms developed to predict the effect of sequence changes on RNA splicing suggest that this variant may disrupt the consensus splice site. In summary, the currently available evidence indicates that the variant is pathogenic, but additional data are needed to prove that conclusively. Therefore, this variant has been classified as Likely Pathogenic.

Literature cited by the submitters: PubMed 16199547; PubMed 26510951.